The following is an entry in ClinVar:

ClinVar aggregate classification (germline): Uncertain significance (1 of 4 stars; one submission).

Submission:

Labcorp Genetics (formerly Invitae), Labcorp
Classification: Uncertain significance. Last evaluated: 2024-08-12. Review status: criteria provided, single submitter. Criteria: Invitae Variant Classification Sherloc (09022015). Collection method: clinical testing. Allele origin: germline.
Comment: This sequence change replaces serine, which is neutral and polar, with proline, which is neutral and non-polar, at codon 119 of the POLR3F protein (p.Ser119Pro). This variant is not present in population databases (gnomAD no frequency). This variant has not been reported in the literature in individuals affected with POLR3F-related conditions. Experimental studies and prediction algorithms are not available or were not evaluated, and the functional significance of this variant is currently unknown. In summary, the available evidence is currently insufficient to determine the role of this variant in disease. Therefore, it has been classified as a Variant of Uncertain Significance.

NM_006466.4(POLR3F):c.478T>C (p.Ser160Pro)

Gene: POLR3F (RNA polymerase III subunit F; plus strand). Cytogenetic location: 20p11.23.
Variant type: single nucleotide variant.
Coding change: c.478T>C on transcript NM_006466.4 (MANE Select); coding-DNA position 478, T replaced by C.
Protein change: p.Ser160Pro; replaces serine 160 with proline.
Molecular consequence: missense variant. On other transcripts: non-coding transcript variant (1), intron variant (1).
Genome position (GRCh38, 1-based): chr20:18,480,086, T>C. VCF-style: chr20-18480086-T-C. GRCh37 (hg19) VCF-style: chr20-18460730-T-C.
Other names: c.355T>C, p.Ser119Pro (NM_001282526.2); c.430-316T>C (NM_001410821.1); short protein forms S160P, S119P.
Identifiers: ClinVar variation 3665376 (VCV003665376.2).